The following is an entry in ClinVar:

NM_005267.5(GJA8):c.766dup (p.Ala256fs)

Gene: GJA8 (gap junction protein alpha 8; plus strand). Cytogenetic location: 1q21.2.
Variant type: Duplication.
Coding change: c.766dup on transcript NM_005267.5 (MANE Select); coding-DNA position 766, one base duplicated (G; older notation c.766dupG).
Protein change: p.Ala256fs; shifts the reading frame from alanine 256.
Molecular consequence: frameshift variant.
Genome position (GRCh38, 1-based): chr1:147,908,721, G duplicated. VCF-style (leftmost placement, unchanged base first): chr1-147908720-T-TG. GRCh37 (hg19) VCF-style: chr1-147380847-T-TG.
Other names: short protein forms A256fs.
Identifiers: ClinVar variation 3253670 (VCV003253670.1), dbSNP rs2524892983.

ClinVar aggregate classification (germline): Likely pathogenic (1 of 4 stars; one submission).

Conditions:
Cataract 1 multiple types. Also called: CATARACT, DUFFY-LINKED; CATARACT 1, POSTERIOR SUBCAPSULAR, WITH MICROCORNEA; CATARACT 1, STELLATE NUCLEAR, WITH MICROCORNEA; CATARACT 1, MULTIPLE TYPES, WITH OR WITHOUT MICROCORNEA; CATARACT 1, NUCLEAR PROGRESSIVE; CATARACT 1 WITH MICROCORNEA. Identifiers: Orphanet 1377, MedGen C1861828, MONDO:0007285, OMIM 116200.

Submission:

Dept. Genetics and Cancer, Menzies Institute for Medical Research, University of Tasmania
Classification: Likely pathogenic for Cataract 1 multiple types. Last evaluated: 2023-01-21. Review status: criteria provided, single submitter. Criteria: ACMG Guidelines, 2015. Collection method: curation. Allele origin: germline. Affected: yes.
Comment: Variant identified and curated during a GJA8 specific review of the literature in relation to pediatric or congenital cataract. ACMG-AMP criteria applied: PVS1(Strong), PM2(Supporting), PP1, PP3. Original variant report: PMID:18483562. The cataract phenotype reported for this variant is: Nuclear (triangular). Gene review and curation guidelines are outlined in: DOI 10.1080/17469899.2023.2160320

Literature cited by the submitters: PubMed 18483562.